The following is an entry in ClinVar:

NM_001377540.1(SLMAP):c.966+4T>A

Gene: SLMAP (sarcolemma associated protein; plus strand). Cytogenetic location: 3p14.3.
Variant type: single nucleotide variant.
Coding change: c.966+4T>A on transcript NM_001377540.1 (MANE Select); 4 bases into the intron after coding-DNA position 966, T replaced by A.
Molecular consequence: intron variant.
Genome position (GRCh38, 1-based): chr3:57,862,090, T>A. VCF-style: chr3-57862090-T-A. GRCh37 (hg19) VCF-style: chr3-57847817-T-A.
Other names: c.966+4T>A (NM_001377538.1, NM_001377539.1, NM_001377555.1 and 17 more transcripts).
Identifiers: ClinVar variation 1009355 (VCV001009355.5), dbSNP rs2095093240, ClinGen allele CA1367384995.

ClinVar aggregate classification (germline): Uncertain significance (1 of 4 stars; one submission).

Conditions:
Brugada syndrome. Also called: Sudden unexpected nocturnal death syndrome; Sudden Unexplained Nocturnal Death Syndrome (SUNDS); Sudden Unexplained Death Syndrome; Sudden unexplained nocturnal death syndrome. Identifiers: Orphanet 130, MedGen C1142166, MONDO:0015263.

Allele frequency attached by ClinVar (database versions not stated): gnomAD exomes below 0.00001.
gnomAD v4.1: 4 of 1,562,660 alleles (0.00026%); highest among the groups gnomAD compares: Non-Finnish European, 0.00035%; no homozygotes.

Submission:

Labcorp Genetics (formerly Invitae), Labcorp
Classification: Uncertain significance for Brugada syndrome. Last evaluated: 2024-04-17. Review status: criteria provided, single submitter. Criteria: Invitae Variant Classification Sherloc (09022015). Collection method: clinical testing. Allele origin: germline.
Comment: This sequence change falls in intron 9 of the SLMAP gene. It does not directly change the encoded amino acid sequence of the SLMAP protein. It affects a nucleotide within the consensus splice site. This variant is not present in population databases (gnomAD no frequency). This variant has not been reported in the literature in individuals affected with SLMAP-related conditions. ClinVar contains an entry for this variant (Variation ID: 1009355). Variants that disrupt the consensus splice site are a relatively common cause of aberrant splicing (PMID: 17576681, 9536098). Algorithms developed to predict the effect of sequence changes on RNA splicing suggest that this variant is not likely to affect RNA splicing. In summary, the available evidence is currently insufficient to determine the role of this variant in disease. Therefore, it has been classified as a Variant of Uncertain Significance.

Literature cited by the submitters: PubMed 17576681; PubMed 9536098.